The following is an entry in ClinVar:

ClinVar aggregate classification (germline): Likely pathogenic (1 of 4 stars; one submission).

Submission:

Dasa
Classification: Likely pathogenic. Last evaluated: 2026-02-19. Review status: criteria provided, single submitter. Criteria: DASA Assertion Criteria. Collection method: clinical testing. Allele origin: germline.
Comment: NM_004318.4(ASPH):c.2141del (p.Gly714Alafs*23) is a frameshift variant in ASPH predicted to alter the reading frame and introduce a premature termination codon and is predicted to result in an absent or altered protein product. Loss of function is an established disease mechanism for ASPH-associated disorders. Also, this variant is rare in population databases. Based on the currently available evidence, this variant is classified as likely pathogenic.

NM_004318.4(ASPH):c.2141del (p.Gly714fs)

Gene: ASPH (aspartate beta-hydroxylase; minus strand). Cytogenetic location: 8q12.3.
Variant type: Deletion.
Coding change: c.2141del on transcript NM_004318.4 (MANE Select); coding-DNA position 2141, one base deleted (G; older notation c.2141delG).
Protein change: p.Gly714fs; shifts the reading frame from glycine 714.
Molecular consequence: frameshift variant.
Genome position (GRCh38, 1-based): chr8:61,503,495, C deleted on the plus strand (G on the coding strand, the reverse complement: ASPH is on the minus strand); the first of 2 consecutive C bases (chr8:61,503,495-61,503,496); deleting either gives the same sequence. VCF-style (leftmost placement, unchanged base first): chr8-61503494-GC-G. GRCh37 (hg19) VCF-style: chr8-62416053-GC-G.
Other names: c.1913del, p.Gly638fs (NM_001413887.1, NM_001413886.1); c.1910del, p.Gly637fs (NM_001413888.1); c.1898del, p.Gly633fs (NM_001413889.1); c.1892del, p.Gly631fs (NM_001413890.1); c.2007del, p.Arg669fs (NM_001413891.1); c.2004del, p.Arg668fs (NM_001413893.1); c.1880del, p.Gly627fs (NM_001413894.1); c.1835del, p.Gly612fs (NM_001413895.1); and 39 more; short protein forms G496fs, G510fs, G552fs, G555fs, G581fs, G612fs, G627fs, G631fs.
Identifiers: ClinVar variation 4852634 (VCV004852634.2).